The following is an entry in ClinVar:

ClinVar aggregate classification (germline): Pathogenic/Likely pathogenic. Review status: criteria provided, multiple submitters, no conflicts (2 of 4 stars). 3 submissions from 3 submitters: Pathogenic (2); Likely pathogenic (1). Last evaluated 2026-01-15.

Conditions:
Fucosidosis. Also called: ALPHA-L-FUCOSIDASE DEFICIENCY. Identifiers: Orphanet 349, MedGen C0016788, MONDO:0009254, OMIM 230000.

Allele frequency attached by ClinVar (database versions not stated): gnomAD exomes 0.00001; TOPMed 0.00002.
gnomAD v4.1: 3 of 1,613,444 alleles (0.00019%); highest among the groups gnomAD compares: Admixed American, 0.005%; no homozygotes.

Submissions (3):

Women's Health and Genetics/Laboratory Corporation of America, LabCorp
Classification: Pathogenic for Fucosidosis. Last evaluated: 2026-01-15. Review status: criteria provided, single submitter. Criteria: LabCorp Variant Classification Summary - May 2015. Collection method: clinical testing. Allele origin: germline.
Comment: Variant summary: FUCA1 c.551C>G (p.Ser184X) results in a premature termination codon, predicted to cause a truncation of the encoded protein or absence of the protein due to nonsense mediated decay, which are commonly known mechanisms for disease. The variant allele was found at a frequency of 1.2e-05 in 251128 control chromosomes. To our knowledge, no occurrence of c.551C>G in individuals affected with FUCA1-related conditions and no experimental evidence demonstrating its impact on protein function have been reported. ClinVar contains an entry for this variant (Variation ID: 1458099). Based on the evidence outlined above, the variant was classified as pathogenic.

Fulgent Genetics
Classification: Likely pathogenic for Fucosidosis. Last evaluated: 2024-06-01. Review status: criteria provided, single submitter. Criteria: ACMG Guidelines, 2015. Collection method: clinical testing. Allele origin: germline.

Labcorp Genetics (formerly Invitae), Labcorp
Classification: Pathogenic for Fucosidosis. Last evaluated: 2023-03-21. Review status: criteria provided, single submitter. Criteria: Invitae Variant Classification Sherloc (09022015). Collection method: clinical testing. Allele origin: germline.
Comment: For these reasons, this variant has been classified as Pathogenic. ClinVar contains an entry for this variant (Variation ID: 1458099). This variant has not been reported in the literature in individuals affected with FUCA1-related conditions. This variant is present in population databases (no rsID available, gnomAD 0.009%). This sequence change creates a premature translational stop signal (p.Ser184*) in the FUCA1 gene. It is expected to result in an absent or disrupted protein product. Loss-of-function variants in FUCA1 are known to be pathogenic (PMID: 10094192).

Literature cited by the submitters: PubMed 10094192 (cited by Labcorp Genetics (formerly Invitae), Labcorp).

NM_000147.5(FUCA1):c.551C>G (p.Ser184Ter)

Gene: FUCA1 (alpha-L-fucosidase 1; minus strand). Cytogenetic location: 1p36.11.
Variant type: single nucleotide variant.
Coding change: c.551C>G on transcript NM_000147.5 (MANE Select); coding-DNA position 551, C replaced by G.
Protein change: p.Ser184Ter; replaces serine 184 with a stop codon.
Molecular consequence: nonsense.
Genome position (GRCh38, 1-based): chr1:23,863,245, G>C on the plus strand (C>G on the coding strand, the complement: FUCA1 is on the minus strand). VCF-style: chr1-23863245-G-C. GRCh37 (hg19) VCF-style: chr1-24189735-G-C.
Other names: short protein forms S184*.
Identifiers: ClinVar variation 1458099 (VCV001458099.9), dbSNP rs997047045, ClinGen allele CA19279638.